The following is an entry in ClinVar:

NM_000334.4(SCN4A):c.3037C>T (p.Arg1013Cys)

Genes: GH-LCR (growth hormone locus control region; plus strand), SCN4A (sodium voltage-gated channel alpha subunit 4; minus strand). Cytogenetic location: 17q23.3.
Variant type: single nucleotide variant.
Coding change: c.3037C>T on transcript NM_000334.4 (MANE Select); coding-DNA position 3037, C replaced by T.
Protein change: p.Arg1013Cys; replaces arginine 1013 with cysteine.
Molecular consequence: missense variant.
Genome position (GRCh38, 1-based): chr17:63,948,718, G>A on the plus strand (C>T on the coding strand, the complement: SCN4A is on the minus strand). VCF-style: chr17-63948718-G-A. GRCh37 (hg19) VCF-style: chr17-62026078-G-A.
Other names: short protein forms R1013C.
Identifiers: ClinVar variation 1400824 (VCV001400824.12), dbSNP rs1351279439, ClinGen allele CA400621735.

ClinVar aggregate classification (germline): Uncertain significance. Review status: criteria provided, multiple submitters, no conflicts (2 of 4 stars). 4 submissions from 4 submitters: Uncertain significance (4). Last evaluated 2026-01-06.

Conditions:
Inborn genetic diseases. Identifiers: MedGen C0950123, MeSH D030342.
Paramyotonia congenita of Von Eulenburg. Also called: PARALYSIS PERIODICA PARAMYOTONICA; Paramyotonia Congenita; Eulenburg disease; Myotonia congenita intermittens; Von Eulenburg paramyotonia congenita. Identifiers: Orphanet 684, MedGen C0221055, MONDO:0008195, OMIM 168300. Disease mechanism: loss of function.
Congenital myasthenic syndrome 16. Identifiers: Orphanet 590, MedGen C3280112, MONDO:0013620, OMIM 614198.
Hypokalemic periodic paralysis, type 1. Also called: Hypokalemic Periodic Paralysis Type 1 (AD); HypoPP. Identifiers: Orphanet 681, MedGen C3714580, MONDO:0042979, OMIM 170400.
Potassium-aggravated myotonia. Also called: MYOTONIA CONGENITA, ACETAZOLAMIDE-RESPONSIVE; MYOTONIA CONGENITA, ATYPICAL; SODIUM CHANNEL MUSCLE DISEASE; Myotonia congenita, atypical, acetazolamide-responsive. Identifiers: Orphanet 612, Orphanet 99734, Orphanet 99735, Orphanet 99736, MedGen C2931826, MONDO:0018959, OMIM 608390.
Hypokalemic periodic paralysis, type 2 (HOKPP2). Identifiers: Orphanet 681, MedGen C2750061, MONDO:0013234, OMIM 613345.
Hyperkalemic periodic paralysis. Also called: Familial hyperkalemic periodic paralysis; Gamstorp disease. Identifiers: Orphanet 682, MedGen C0238357, MONDO:0008224, OMIM 170500, HP:0007215.

gnomAD v4.1: 4 of 1,613,128 alleles (0.00025%); highest among the groups gnomAD compares: Admixed American, 0.0017%; no homozygotes.

Submissions (4):

Labcorp Genetics (formerly Invitae), Labcorp
Classification: Uncertain significance for Hyperkalemic periodic paralysis. Last evaluated: 2026-01-06. Review status: criteria provided, single submitter. Criteria: Invitae Variant Classification Sherloc (09022015). Collection method: clinical testing. Allele origin: germline.
Comment: This sequence change replaces arginine, which is basic and polar, with cysteine, which is neutral and slightly polar, at codon 1013 of the SCN4A protein (p.Arg1013Cys). This variant is not present in population databases (gnomAD no frequency). This variant has not been reported in the literature in individuals affected with SCN4A-related conditions. ClinVar contains an entry for this variant (Variation ID: 1400824). Invitae Evidence Modeling of protein sequence and biophysical properties (such as structural, functional, and spatial information, amino acid conservation, physicochemical variation, residue mobility, and thermodynamic stability) indicates that this missense variant is not expected to disrupt SCN4A protein function with a negative predictive value of 95%. In summary, the available evidence is currently insufficient to determine the role of this variant in disease. Therefore, it has been classified as a Variant of Uncertain Significance.

Ambry Genetics
Classification: Uncertain significance for Inborn genetic diseases. Last evaluated: 2023-05-09. Review status: criteria provided, single submitter. Criteria: Ambry Variant Classification Scheme 2023. Collection method: clinical testing. Allele origin: germline.

Revvity Omics, Revvity
Classification: Uncertain significance. Last evaluated: 2023-03-08. Review status: criteria provided, single submitter. Criteria: ACMG Guidelines, 2015. Collection method: clinical testing. Allele origin: germline.

Fulgent Genetics
Classification: Uncertain significance for Paramyotonia congenita of Von Eulenburg; Hypokalemic periodic paralysis, type 1; Hyperkalemic periodic paralysis; Potassium-aggravated myotonia; Hypokalemic periodic paralysis, type 2; Congenital myasthenic syndrome 16. Last evaluated: 2022-03-17. Review status: criteria provided, single submitter. Criteria: ACMG Guidelines, 2015. Collection method: clinical testing. Allele origin: unknown.